The following is an entry in ClinVar:

ClinVar aggregate classification (germline): Conflicting classifications of pathogenicity. Review status: criteria provided, conflicting classifications (1 of 4 stars). 6 submissions from 6 submitters: Likely pathogenic (1); Uncertain significance (5). Last evaluated 2026-07-27.

Conditions:
Hereditary cancer-predisposing syndrome. Also called: Tumor predisposition; Neoplastic Syndromes, Hereditary; Hereditary Cancer Syndrome; Hereditary neoplastic syndrome. Identifiers: Orphanet 140162, MedGen C0027672, MeSH D009386, MONDO:0015356.
Familial adenomatous polyposis 2. Also called: MYH-associated polyposis; Adenomas, multiple colorectal; MUTYH-associated polyposis; MUTYH Polyposis; COLORECTAL ADENOMATOUS POLYPOSIS, AUTOSOMAL RECESSIVE; ADENOMAS, MULTIPLE COLORECTAL, AUTOSOMAL RECESSIVE. Identifiers: Orphanet 220460, Orphanet 247798, MedGen C3272841, MONDO:0012041, OMIM 608456.

Allele frequency attached by ClinVar (database versions not stated): gnomAD exomes below 0.00001.
gnomAD v4.1: 1 of 1,614,110 alleles (0.000062%); highest among the groups gnomAD compares: Non-Finnish European, 0.000085%; no homozygotes.

Submissions (6):

Myriad Genetics, Inc.
Classification: Likely pathogenic for Familial adenomatous polyposis 2. Last evaluated: 2026-07-27. Review status: criteria provided, single submitter. Criteria: Myriad Autosomal Dominant, Autosomal Recessive and X-Linked Classification Criteria (2023). Collection method: clinical testing. Allele origin: unknown.
Comment: This variant is considered likely pathogenic. Functional studies indicate this variant impacts protein function [PMID: 40738107]. This variant is expected to disrupt protein structure [Myriad internal data].

Center for Genomic Medicine, Rigshospitalet, Copenhagen University Hospital
Classification: Uncertain significance. Last evaluated: 2025-12-29. Review status: criteria provided, single submitter. Criteria: ACMG Guidelines, 2015. Collection method: clinical testing. Allele origin: germline.

Color Diagnostics, LLC DBA Color Health
Classification: Uncertain significance for Hereditary cancer-predisposing syndrome. Last evaluated: 2025-08-17. Review status: criteria provided, single submitter. Criteria: ACMG Guidelines, 2015. Collection method: clinical testing. Allele origin: germline.
Comment: This missense variant replaces glutamine with proline at codon 267 of the MUTYH protein. Computational prediction is inconclusive regarding the impact of this variant on protein structure and function. To our knowledge, functional studies have not been reported for this variant. This variant has not been reported in individuals affected with MUTYH-related disorders in the literature. This variant has not been identified in the general population by the Genome Aggregation Database (gnomAD). The available evidence is insufficient to determine the role of this variant in disease conclusively. Therefore, this variant is classified as a Variant of Uncertain Significance.

Labcorp Genetics (formerly Invitae), Labcorp
Classification: Uncertain significance for Familial adenomatous polyposis 2. Last evaluated: 2025-04-28. Review status: criteria provided, single submitter. Criteria: Invitae Variant Classification Sherloc (09022015). Collection method: clinical testing. Allele origin: germline.
Comment: This sequence change replaces glutamine, which is neutral and polar, with proline, which is neutral and non-polar, at codon 267 of the MUTYH protein (p.Gln267Pro). This variant is not present in population databases (gnomAD no frequency). This variant has not been reported in the literature in individuals affected with MUTYH-related conditions. ClinVar contains an entry for this variant (Variation ID: 533295). An algorithm developed to predict the effect of missense changes on protein structure and function (PolyPhen-2) suggests that this variant is likely to be disruptive. In summary, the available evidence is currently insufficient to determine the role of this variant in disease. Therefore, it has been classified as a Variant of Uncertain Significance.

GeneDx
Classification: Uncertain significance. Last evaluated: 2024-05-22. Review status: criteria provided, single submitter. Criteria: GeneDx Variant Classification Process June 2021. Collection method: clinical testing. Allele origin: germline. Affected: yes.
Comment: Not observed at significant frequency in large population cohorts (gnomAD); In silico analysis indicates that this missense variant does not alter protein structure/function; Has not been previously published as pathogenic or benign to our knowledge; This variant is associated with the following publications: (PMID: 23108399, 11801590, 11092888, 11160897)

Ambry Genetics
Classification: Uncertain significance for Hereditary cancer-predisposing syndrome. Last evaluated: 2024-01-31. Review status: criteria provided, single submitter. Criteria: Ambry Variant Classification Scheme 2023. Collection method: clinical testing. Allele origin: germline.
Comment: The p.Q267P variant (also known as c.800A>C), located in coding exon 10 of the MUTYH gene, results from an A to C substitution at nucleotide position 800. The glutamine at codon 267 is replaced by proline, an amino acid with similar properties. This amino acid position is conserved. In addition, the in silico prediction for this alteration is inconclusive. Based on the available evidence, the clinical significance of this alteration remains unclear.

Literature cited by the submitters: PubMed 40738107 (cited by Myriad Genetics, Inc.).

NM_001048174.2(MUTYH):c.716A>C (p.Gln239Pro)

Gene: MUTYH (mutY DNA glycosylase; minus strand). Cytogenetic location: 1p34.1.
Variant type: single nucleotide variant.
Coding change: c.716A>C on transcript NM_001048174.2 (MANE Select); coding-DNA position 716, A replaced by C.
Protein change: p.Gln239Pro; replaces glutamine 239 with proline.
Molecular consequence: missense variant. On other transcripts: non-coding transcript variant (2).
Genome position (GRCh38, 1-based): chr1:45,332,299, T>G on the plus strand (A>C on the coding strand, the complement: MUTYH is on the minus strand). VCF-style: chr1-45332299-T-G. GRCh37 (hg19) VCF-style: chr1-45797971-T-G.
Other names: c.716A>C, p.Gln239Pro (NM_001048171.2, NM_001048173.2, NM_001293195.2); c.719A>C, p.Gln240Pro (NM_001048172.2); c.800A>C, p.Gln267Pro (NM_001128425.2); c.761A>C, p.Gln254Pro (NM_001293190.2); c.749A>C, p.Gln250Pro (NM_001293191.2); c.440A>C, p.Gln147Pro (NM_001293192.2, NM_001293196.2); c.371A>C, p.Gln124Pro (NM_001350650.2, NM_001350651.2); c.791A>C, p.Gln264Pro (NM_012222.3); short protein forms Q267P, Q147P, Q240P, Q250P, Q124P, Q239P, Q254P, Q264P.
Identifiers: ClinVar variation 533295 (VCV000533295.17), dbSNP rs1553127846, ClinGen allele CA340134710.